The following is an entry in ClinVar:

NM_018344.6(SLC29A3):c.774-6C>T

Gene: SLC29A3 (solute carrier family 29 member 3; plus strand). Cytogenetic location: 10q22.1.
Variant type: single nucleotide variant.
Coding change: c.774-6C>T on transcript NM_018344.6 (MANE Select); 6 bases into the intron before coding-DNA position 774, C replaced by T.
Molecular consequence: intron variant.
Genome position (GRCh38, 1-based): chr10:71,361,948, C>T. VCF-style: chr10-71361948-C-T. GRCh37 (hg19) VCF-style: chr10-73121705-C-T.
Other names: c.540-6C>T (NM_001363518.2); c.*3-6C>T (NM_001174098.2).
Identifiers: ClinVar variation 711566 (VCV000711566.32), dbSNP rs185479915, ClinGen allele CA5543050.

ClinVar aggregate classification (germline): Benign/Likely benign. Review status: criteria provided, multiple submitters, no conflicts (2 of 4 stars). 2 submissions from 2 submitters: Benign (1); Likely benign (1). Last evaluated 2026-02-03.

Conditions:
H syndrome. Also called: Asrar Facharzt Haque syndrome; HISTIOCYTOSIS AND LYMPHADENOPATHY WITH OR WITHOUT CUTANEOUS, CARDIAC, AND/OR ENDOCRINE FEATURES, JOINT CONTRACTURES, AND/OR DEAFNESS; HYPERPIGMENTATION, CUTANEOUS, WITH HYPERTRICHOSIS, HEPATOSPLENOMEGALY, HEART ANOMALIES, AND HYPOGONADISM WITH OR WITHOUT HEARING LOSS; PIGMENTED HYPERTRICHOSIS WITH INSULIN-DEPENDENT DIABETES MELLITUS; ROSAI-DORFMAN DISEASE, FAMILIAL; SINUS HISTIOCYTOSIS AND MASSIVE LYMPHADENOPATHY. Identifiers: Orphanet 168569, MedGen C1864445, MONDO:0011273, OMIM 602782.

Allele frequency attached by ClinVar (database versions not stated): gnomAD exomes 0.00006 and 0.00038; gnomAD 0.00011 and 0.00017; TOPMed 0.00013; ExAC 0.00037; 1000 Genomes Project 30x 0.00156; 1000 Genomes Project 0.00180.
gnomAD v4.1: 118 of 1,613,982 alleles (0.0073%); highest among the groups gnomAD compares: East Asian, 0.24%; 1 homozygote.

Submissions (2):

Labcorp Genetics (formerly Invitae), Labcorp
Classification: Benign for H syndrome. Last evaluated: 2026-02-03. Review status: criteria provided, single submitter. Criteria: Invitae Variant Classification Sherloc (09022015). Collection method: clinical testing. Allele origin: germline.

CeGaT Center for Human Genetics Tuebingen
Classification: Likely benign. Last evaluated: 2023-09-01. Review status: criteria provided, single submitter. Criteria: CeGaT Center For Human Genetics Tuebingen Variant Classification Criteria Version 2. Collection method: clinical testing. Allele origin: germline. Affected: yes. Observed: 1 variant allele.
Comment: SLC29A3: BP4